The following is an entry in ClinVar:

ClinVar aggregate classification (germline): Uncertain significance (1 of 4 stars; one submission).

Conditions:
Fanconi anemia (FA). Also called: Fanconi's anemia. Identifiers: Orphanet 84, MedGen C0015625, MeSH D005199, MONDO:0019391.

Allele frequency attached by ClinVar (database versions not stated): gnomAD exomes below 0.00001.
gnomAD v4.1: 1 of 1,614,050 alleles (0.000062%); highest among the groups gnomAD compares: Non-Finnish European, 0.000085%; no homozygotes.

Submission:

Labcorp Genetics (formerly Invitae), Labcorp
Classification: Uncertain significance for Fanconi anemia. Last evaluated: 2023-08-16. Review status: criteria provided, single submitter. Criteria: Invitae Variant Classification Sherloc (09022015). Collection method: clinical testing. Allele origin: germline.
Comment: In summary, the available evidence is currently insufficient to determine the role of this variant in disease. Therefore, it has been classified as a Variant of Uncertain Significance. Algorithms developed to predict the effect of sequence changes on RNA splicing suggest that this variant may disrupt the consensus splice site. An algorithm developed to predict the effect of missense changes on protein structure and function (PolyPhen-2) suggests that this variant is likely to be disruptive. This variant has not been reported in the literature in individuals affected with FANCM-related conditions. This variant is not present in population databases (gnomAD no frequency). This sequence change replaces isoleucine, which is neutral and non-polar, with valine, which is neutral and non-polar, at codon 1959 of the FANCM protein (p.Ile1959Val).

NM_020937.4(FANCM):c.5875A>G (p.Ile1959Val)

Gene: FANCM (FA complementation group M; plus strand). Cytogenetic location: 14q21.2.
Variant type: single nucleotide variant.
Coding change: c.5875A>G on transcript NM_020937.4 (MANE Select); coding-DNA position 5875, A replaced by G.
Protein change: p.Ile1959Val; replaces isoleucine 1959 with valine.
Molecular consequence: missense variant.
Genome position (GRCh38, 1-based): chr14:45,198,802, A>G. VCF-style: chr14-45198802-A-G. GRCh37 (hg19) VCF-style: chr14-45668005-A-G.
Other names: c.5797A>G, p.Ile1933Val (NM_001308133.2); short protein forms I1933V, I1959V.
Identifiers: ClinVar variation 2917129 (VCV002917129.3), dbSNP rs2503280604, ClinGen allele CA389587166.
Genomic context (GRCh38, chr14:45,198,802, plus strand): 5'-GAAGAAACCGCAGATTTGCTAAAGGAACTGTCTTTAGTGGAACAAAGAAAGAATGTTGGT[A>G]TTCATGTTCCAACAGTGGTGAATAGTAATAAAAGTGAGGCACTCCAGTTTTATTTAAGTA-3'
Protein context (NP_065988.1, residues 1949-1969): SLVEQRKNVG[Ile1959Val]HVPTVVNSNK